The following is an entry in ClinVar:

ClinVar aggregate classification (germline): Benign/Likely benign. Review status: criteria provided, multiple submitters, no conflicts (2 of 4 stars). 4 submissions from 4 submitters: Benign (1); Likely benign (3). Last evaluated 2026-04-10.

Conditions:
JPH2-related disorder. Also called: JPH2-related condition.
Cardiovascular phenotype. Identifiers: MedGen CN230736.
Hypertrophic cardiomyopathy. Also called: HYPERTROPHIC MYOCARDIOPATHY. Identifiers: Orphanet 217569, MedGen C0007194, MeSH D002312, MONDO:0005045, HP:0001639.

Allele frequency attached by ClinVar (database versions not stated): TOPMed 0.00001; gnomAD 0.00006; gnomAD exomes 0.00010 and 0.00032; 1000 Genomes Project 30x 0.00031; 1000 Genomes Project 0.00040; ExAC 0.00061.
gnomAD v4.1: 156 of 1,569,008 alleles (0.0099%); highest among the groups gnomAD compares: South Asian, 0.16%; 1 homozygote.

Submissions (4):

PreventionGenetics, part of Exact Sciences
Classification: Likely benign for JPH2-related condition. Last evaluated: 2026-04-10. Review status: criteria provided, single submitter. Criteria: ACMG Guidelines, 2015. Collection method: clinical testing. Allele origin: germline.
Comment: This variant is classified as likely benign based on ACMG/AMP sequence variant interpretation guidelines (Richards et al. 2015 PMID: 25741868, with internal and published modifications).

Labcorp Genetics (formerly Invitae), Labcorp
Classification: Benign for Hypertrophic cardiomyopathy. Last evaluated: 2025-03-27. Review status: criteria provided, single submitter. Criteria: Invitae Variant Classification Sherloc (09022015). Collection method: clinical testing. Allele origin: germline.

Blueprint Genetics
Classification: Likely benign. Last evaluated: 2024-05-20. Review status: criteria provided, single submitter. Criteria: ACMG Guidelines, 2015. Collection method: clinical testing. Allele origin: germline.

Ambry Genetics
Classification: Likely benign for Cardiovascular phenotype. Last evaluated: 2019-08-29. Review status: criteria provided, single submitter. Criteria: Ambry Variant Classification Scheme 2023. Collection method: clinical testing. Allele origin: germline.

NM_020433.5(JPH2):c.1731G>A (p.Glu577=)

Gene: JPH2 (junctophilin 2; minus strand). Cytogenetic location: 20q13.12.
Variant type: single nucleotide variant.
Coding change: c.1731G>A on transcript NM_020433.5 (MANE Select); coding-DNA position 1731, G replaced by A.
Protein change: p.Glu577=; no amino-acid change (glutamic acid 577 retained).
Molecular consequence: synonymous variant.
Genome position (GRCh38, 1-based): chr20:44,115,944, C>T on the plus strand (G>A on the coding strand, the complement: JPH2 is on the minus strand). VCF-style: chr20-44115944-C-T. GRCh37 (hg19) VCF-style: chr20-42744584-C-T.
Identifiers: ClinVar variation 1170858 (VCV001170858.13), dbSNP rs530433203, ClinGen allele CA9868626.